The following is an entry in ClinVar:

NM_006642.5(SDCCAG8):c.136G>C (p.Asp46His)

Gene: SDCCAG8 (SHH signaling and ciliogenesis regulator SDCCAG8; plus strand). Cytogenetic location: 1q43.
Variant type: single nucleotide variant.
Coding change: c.136G>C on transcript NM_006642.5 (MANE Select); coding-DNA position 136, G replaced by C.
Protein change: p.Asp46His; replaces aspartic acid 46 with histidine.
Molecular consequence: missense variant. On other transcripts: 5 prime UTR variant (4).
Genome position (GRCh38, 1-based): chr1:243,270,173, G>C. VCF-style: chr1-243270173-G-C. GRCh37 (hg19) VCF-style: chr1-243433475-G-C.
Other names: c.-977G>C (NM_001350246.2); c.-865G>C (NM_001350247.2); c.136G>C, p.Asp46His (NM_001350248.2); c.-159G>C (NM_001350249.2); c.-1238G>C (NM_001350251.2); short protein forms D46H.
Identifiers: ClinVar variation 1005503 (VCV001005503.4), dbSNP rs2067972892, ClinGen allele CA345473970.

ClinVar aggregate classification (germline): Uncertain significance (1 of 4 stars; one submission).

Conditions:
Senior-Loken syndrome 7 (SLSN7). Identifiers: Orphanet 3156, MedGen C3150877, MONDO:0013326, OMIM 613615.
Bardet-Biedl syndrome 16 (BBS16). Identifiers: Orphanet 110, MedGen C3889474, MONDO:0014444, OMIM 615993.

Allele frequency attached by ClinVar (database versions not stated): TOPMed below 0.00001.

Submission:

Labcorp Genetics (formerly Invitae), Labcorp
Classification: Uncertain significance for Bardet-Biedl syndrome 16; Senior-Loken syndrome 7. Last evaluated: 2023-10-13. Review status: criteria provided, single submitter. Criteria: Invitae Variant Classification Sherloc (09022015). Collection method: clinical testing. Allele origin: germline.
Comment: This sequence change replaces aspartic acid, which is acidic and polar, with histidine, which is basic and polar, at codon 46 of the SDCCAG8 protein (p.Asp46His). This variant is not present in population databases (gnomAD no frequency). This variant has not been reported in the literature in individuals affected with SDCCAG8-related conditions. ClinVar contains an entry for this variant (Variation ID: 1005503). Advanced modeling of protein sequence and biophysical properties (such as structural, functional, and spatial information, amino acid conservation, physicochemical variation, residue mobility, and thermodynamic stability) performed at Invitae indicates that this missense variant is not expected to disrupt SDCCAG8 protein function. Algorithms developed to predict the effect of sequence changes on RNA splicing suggest that this variant may create or strengthen a splice site. In summary, the available evidence is currently insufficient to determine the role of this variant in disease. Therefore, it has been classified as a Variant of Uncertain Significance.